The following is an entry in ClinVar:

NM_030665.4(RAI1):c.4615C>T (p.Arg1539Cys)

Gene: RAI1 (retinoic acid induced 1; plus strand). Cytogenetic location: 17p11.2.
Variant type: single nucleotide variant.
Coding change: c.4615C>T on transcript NM_030665.4 (MANE Select); coding-DNA position 4615, C replaced by T.
Protein change: p.Arg1539Cys; replaces arginine 1539 with cysteine.
Molecular consequence: missense variant.
Genome position (GRCh38, 1-based): chr17:17,797,563, C>T. VCF-style: chr17-17797563-C-T. GRCh37 (hg19) VCF-style: chr17-17700877-C-T.
Other names: c.4615C>T (NM_030665.3); short protein forms R1539C.
Identifiers: ClinVar variation 2078462 (VCV002078462.5), dbSNP rs747006500, ClinGen allele CA8418993.

ClinVar aggregate classification (germline): Uncertain significance. Review status: criteria provided, single submitter (1 of 4 stars). 2 submissions from 2 submitters: Uncertain significance (1). 1 of the submissions does not count toward it. Last evaluated 2025-05-19.

Conditions:
RAI1-related disorder. Also called: RAI1-related condition.

gnomAD v4.1: 7 of 1,614,084 alleles (0.00043%); highest among the groups gnomAD compares: East Asian, 0.0067%; no homozygotes.

Submissions (2):

Labcorp Genetics (formerly Invitae), Labcorp
Classification: Uncertain significance. Last evaluated: 2025-05-19. Review status: criteria provided, single submitter. Criteria: Invitae Variant Classification Sherloc (09022015). Collection method: clinical testing. Allele origin: germline.
Comment: This sequence change replaces arginine, which is basic and polar, with cysteine, which is neutral and slightly polar, at codon 1539 of the RAI1 protein (p.Arg1539Cys). This variant is present in population databases (rs747006500, gnomAD 0.02%). This variant has not been reported in the literature in individuals affected with RAI1-related conditions. ClinVar contains an entry for this variant (Variation ID: 2078462). Invitae Evidence Modeling of protein sequence and biophysical properties (such as structural, functional, and spatial information, amino acid conservation, physicochemical variation, residue mobility, and thermodynamic stability) indicates that this missense variant is expected to disrupt RAI1 protein function with a positive predictive value of 80%. In summary, the available evidence is currently insufficient to determine the role of this variant in disease. Therefore, it has been classified as a Variant of Uncertain Significance.

PreventionGenetics, part of Exact Sciences
Classification: Uncertain significance for RAI1-related condition. Last evaluated: 2024-04-08. Review status: no assertion criteria provided. Collection method: clinical testing. Allele origin: germline. Not counted in ClinVar's aggregate classification.
Comment: The RAI1 c.4615C>T variant is predicted to result in the amino acid substitution p.Arg1539Cys. This variant was reported in an individual with Smith-Magenis syndrome, although detailed clinical information was not provided (Table 1, Figure S3, Brewer et al. 2020. PubMed ID: 32092540). This variant is reported in 0.022% of alleles in individuals of East Asian descent in gnomAD, which is higher than expected for a fully penetrant pathogenic variant in this gene. Although we suspect that this variant may be benign, at this time, the clinical significance of this variant is uncertain due to the absence of conclusive functional and genetic evidence.